The following is an entry in ClinVar:

ClinVar aggregate classification (germline): Conflicting classifications of pathogenicity. Review status: criteria provided, conflicting classifications (1 of 4 stars). 2 submissions from 2 submitters: Uncertain significance (1); Likely benign (1). Last evaluated 2022-08-12.

Conditions:
Mowat-Wilson syndrome (MOWS). Also called: Classic Mowat-Wilson Syndrome. Identifiers: Orphanet 2152, MedGen C1856113, MONDO:0009341, OMIM 235730.

Allele frequency attached by ClinVar (database versions not stated): gnomAD exomes below 0.00001.

Submissions (2):

Labcorp Genetics (formerly Invitae), Labcorp
Classification: Uncertain significance for Mowat-Wilson syndrome. Last evaluated: 2022-08-12. Review status: criteria provided, single submitter. Criteria: Invitae Variant Classification Sherloc (09022015). Collection method: clinical testing. Allele origin: germline.
Comment: This sequence change replaces arginine, which is basic and polar, with serine, which is neutral and polar, at codon 1096 of the ZEB2 protein (p.Arg1096Ser). This variant is not present in population databases (gnomAD no frequency). This variant has not been reported in the literature in individuals affected with ZEB2-related conditions. ClinVar contains an entry for this variant (Variation ID: 668149). Algorithms developed to predict the effect of missense changes on protein structure and function are either unavailable or do not agree on the potential impact of this missense change (SIFT: "Deleterious"; PolyPhen-2: "Possibly Damaging"; Align-GVGD: "Class C0"). In summary, the available evidence is currently insufficient to determine the role of this variant in disease. Therefore, it has been classified as a Variant of Uncertain Significance.

GeneDx
Classification: Likely benign. Last evaluated: 2018-05-09. Review status: criteria provided, single submitter. Criteria: GeneDx Variant Classification (06012015). Collection method: clinical testing. Allele origin: germline. Affected: yes.
Comment: This variant is considered likely benign or benign based on one or more of the following criteria: it is a conservative change, it occurs at a poorly conserved position in the protein, it is predicted to be benign by multiple in silico algorithms, and/or has population frequency not consistent with disease.

NM_014795.4(ZEB2):c.3286C>A (p.Arg1096Ser)

Gene: ZEB2 (zinc finger E-box binding homeobox 2; minus strand). Cytogenetic location: 2q22.3.
Variant type: single nucleotide variant.
Coding change: c.3286C>A on transcript NM_014795.4 (MANE Select); coding-DNA position 3286, C replaced by A.
Protein change: p.Arg1096Ser; replaces arginine 1096 with serine.
Molecular consequence: missense variant.
Genome position (GRCh38, 1-based): chr2:144,389,810, G>T on the plus strand (C>A on the coding strand, the complement: ZEB2 is on the minus strand). VCF-style: chr2-144389810-G-T. GRCh37 (hg19) VCF-style: chr2-145147377-G-T.
Other names: c.3214C>A, p.Arg1072Ser (NM_001171653.2); short protein forms R1096S, R1072S.
Identifiers: ClinVar variation 668149 (VCV000668149.5), dbSNP rs1573707981, ClinGen allele CA348699836.